The following is an entry in ClinVar:

ClinVar aggregate classification (germline): Likely pathogenic (1 of 4 stars; one submission).

Conditions:
Ataxia-telangiectasia syndrome (AT). Also called: Ataxia-telangiectasia, complementation group D; AT, COMPLEMENTATION GROUP C; Ataxia-telangiectasia, complementation group E; Cerebello-oculocutaneous telangiectasia; Immunodeficiency with ataxia telangiectasia; ATAXIA-TELANGIECTASIA, COMPLEMENTATION GROUP A. Identifiers: Orphanet 100, MedGen C0004135, MONDO:0008840, OMIM 208900.

Submission:

Labcorp Genetics (formerly Invitae), Labcorp
Classification: Likely pathogenic for Ataxia-telangiectasia syndrome. Last evaluated: 2018-04-06. Review status: criteria provided, single submitter. Criteria: Invitae Variant Classification Sherloc (09022015). Collection method: clinical testing. Allele origin: germline.
Comment: This variant results in a copy number gain of the genomic region encompassing exons 6-61 of the ATM gene. While the exact position of this variant cannot be determined from this data, sub-genic copy number gains are generally in tandem (PMID: 25640679) and may result in an absent or disrupted protein product. This variant has not been reported in the literature in individuals with ATM-related disease. Loss-of-function variants in ATM are known to be pathogenic (PMID: 23807571, 25614872). In summary, the currently available evidence indicates that the variant is pathogenic, but additional data are needed to prove that conclusively. Therefore, this variant has been classified as Likely Pathogenic.

NC_000011.9:g.(?_108114674)_(108225607_?)dup

Genes: ATM (ATM serine/threonine kinase; plus strand), C11orf65 (chromosome 11 open reading frame 65; minus strand), LOC128772356 (melanoma risk locus-associated MPRA allelic enhancer 11:108140516; plus strand), LOC129390354 (MPRA-validated peak1451 silencer; plus strand). Cytogenetic location: 11q22.3.
Variant type: Duplication.
Identifiers: ClinVar variation 583876 (VCV000583876.1).